The following is an entry in ClinVar:

ClinVar aggregate classification (germline): Uncertain significance. Review status: criteria provided, multiple submitters, no conflicts (2 of 4 stars). 2 submissions from 2 submitters: Uncertain significance (2). Last evaluated 2022-08-01.

Conditions:
Intellectual developmental disorder, autosomal dominant 66. Also called: MENTAL RETARDATION, AUTOSOMAL DOMINANT 66. Identifiers: MedGen C5677000, MONDO:0030891, OMIM 619910.

Submissions (2):

Baylor Genetics
Classification: Uncertain significance for Intellectual developmental disorder, autosomal dominant 66. Last evaluated: 2022-08-01. Review status: criteria provided, single submitter. Criteria: ACMG Guidelines, 2015. Collection method: clinical testing. Allele origin: unknown.

Wangler Lab, Baylor College of Medicine
Classification: Uncertain significance for Intellectual developmental disorder, autosomal dominant 66. Review status: criteria provided, single submitter. Criteria: ACMG Guidelines, 2015. Collection method: clinical testing. Allele origin: paternal. Inheritance: Autosomal dominant inheritance. Affected: yes. Observed: 1 heterozygote.
Comment: This missense ATP2B1 variant at c.3632G>T (p.S1211I) was seen on exome through the Texome Project (R01HG011795). This variant is absent in gnomAD (PM2). It is predicted to be deleterious by multiple computational models (CADD: 28.400)(PP3), and the evolutionary conservation of this residue is high. We classify this as a variant of uncertain significance.

NM_001366521.1(ATP2B1):c.3632G>T (p.Ser1211Ile)

Gene: ATP2B1 (ATPase plasma membrane Ca2+ transporting 1; minus strand). Cytogenetic location: 12q21.33.
Variant type: single nucleotide variant.
Coding change: c.3632G>T on transcript NM_001366521.1 (MANE Select); coding-DNA position 3632, G replaced by T.
Protein change: p.Ser1211Ile; replaces serine 1211 with isoleucine.
Molecular consequence: missense variant. On other transcripts: 3 prime UTR variant (9).
Genome position (GRCh38, 1-based): chr12:89,591,015, C>A on the plus strand (G>T on the coding strand, the complement: ATP2B1 is on the minus strand). VCF-style: chr12-89591015-C-A. GRCh37 (hg19) VCF-style: chr12-89984792-C-A.
Other names: c.*255G>T (NM_001001323.2, NM_001366523.1, NM_001366528.1 and 2 more transcripts); c.3632G>T, p.Ser1211Ile (NM_001366520.1, NM_001366522.1, NM_001682.3); c.3719G>T, p.Ser1240Ile (NM_001366524.1, NM_001366525.1); c.*268G>T (NM_001366526.1, NM_001366527.1, NM_001366529.1 and 1 more transcripts); short protein forms S1211I, S1240I.
Identifiers: ClinVar variation 1710505 (VCV001710505.3), dbSNP rs2540631933, ClinGen allele CA385996836.